The following is an entry in ClinVar:

NM_000455.5(STK11):c.862+7G>T

Gene: STK11 (serine/threonine kinase 11; plus strand). Cytogenetic location: 19p13.3.
Variant type: single nucleotide variant.
Coding change: c.862+7G>T on transcript NM_000455.5 (MANE Select); 7 bases into the intron after coding-DNA position 862, G replaced by T.
Molecular consequence: intron variant.
Genome position (GRCh38, 1-based): chr19:1,221,347, G>T. VCF-style: chr19-1221347-G-T. GRCh37 (hg19) VCF-style: chr19-1221346-G-T.
Other names: c.862+7G>T (NM_001407255.1).
Identifiers: ClinVar variation 3904182 (VCV003904182.1).

ClinVar aggregate classification (germline): Likely benign (1 of 4 stars; one submission).

Conditions:
Peutz-Jeghers syndrome (PJS). Also called: POLYPOSIS, HAMARTOMATOUS INTESTINAL; POLYPS-AND-SPOTS SYNDROME; Peutz-Jeghers polyposis; Periorificial lentiginosis syndrome. Identifiers: Orphanet 2869, MedGen C0031269, MeSH D010580, MONDO:0008280, OMIM 175200.

Submission:

Myriad Genetics, Inc.
Classification: Likely benign for Peutz-Jeghers syndrome. Last evaluated: 2025-03-27. Review status: criteria provided, single submitter. Criteria: Myriad Autosomal Dominant, Autosomal Recessive and X-Linked Classification Criteria (2023). Collection method: clinical testing. Allele origin: unknown.
Comment: This variant is considered likely benign. This variant is intronic and is not expected to impact mRNA splicing.